The following is an entry in ClinVar:

NM_177438.3(DICER1):c.2651-4T>G

Gene: DICER1 (dicer 1, ribonuclease III; minus strand). Cytogenetic location: 14q32.13.
Variant type: single nucleotide variant.
Coding change: c.2651-4T>G on transcript NM_177438.3 (MANE Select); 4 bases into the intron before coding-DNA position 2651, T replaced by G.
Molecular consequence: intron variant.
Genome position (GRCh38, 1-based): chr14:95,107,765, A>C on the plus strand (T>G on the coding strand, the complement: DICER1 is on the minus strand). VCF-style: chr14-95107765-A-C. GRCh37 (hg19) VCF-style: chr14-95574102-A-C.
Other names: NM_177438.2(DICER1):c.2651-4T>G; c.2651-4T>G (NM_001291628.2, NM_030621.4, NM_001271282.3 and 1 more transcripts).
Identifiers: ClinVar variation 543697 (VCV000543697.20), dbSNP rs377667473, ClinGen allele CA7331198.

ClinVar aggregate classification (germline): Likely benign. Review status: reviewed by expert panel (3 of 4 stars). 4 submissions from 4 submitters: Likely benign (1). 3 of the submissions do not count toward it. Last evaluated 2022-05-18.

Conditions:
DICER1-related tumor predisposition. Also called: DICER1-related pleuropulmonary blastoma cancer predisposition syndrome; DICER1 syndrome. Identifiers: Orphanet 284343, MedGen C3839822, MONDO:0100216.
Hereditary cancer-predisposing syndrome. Also called: Neoplastic Syndromes, Hereditary; Tumor predisposition; Hereditary Cancer Syndrome; Hereditary neoplastic syndrome. Identifiers: Orphanet 140162, MedGen C0027672, MeSH D009386, MONDO:0015356.

Allele frequency attached by ClinVar (database versions not stated): gnomAD exomes below 0.00001 and 0.00001; ExAC 0.00001; gnomAD 0.00001; TOPMed 0.00001; ESP Exome Variant Server 0.00008.
gnomAD v4.1: 15 of 1,602,926 alleles (0.00094%); highest among the groups gnomAD compares: Non-Finnish European, 0.0012%; no homozygotes.

Submissions (4):

ClinGen DICER1 and miRNA-Processing Gene Variant Curation Expert Panel, ClinGen
Classification: Likely benign for DICER1-related tumor predisposition. Last evaluated: 2022-05-18. Review status: reviewed by expert panel. Criteria: ClinGen DICER1 ACMG Specifications DICER1 v1. Collection method: curation. Allele origin: germline. Inheritance: Autosomal dominant inheritance.
Comment: The NM_177438.2:c.2651-4T>G variant in DICER1 is an intronic variant resulting from a T to G substitution 4 nucleotides upstream from coding exon 17. It is not predicted by MaxEntScan or SpliceAI to impact splicing. In addition, it occurs at a nucleotide that is not conserved, as the variant is the reference nucleotide in more than 3 mammalian species in the UCSC Genome Browser Multiz Alignments track (BP4, BP7). In summary, this variant meets the criteria to be classified as Likely Benign for DICER1 syndrome based on the ACMG/AMP criteria applied, as specified by the ClinGen DICER1 VCEP: BP4, BP7. (Bayesian Points: -2; VCEP specifications version 1; 02/11/2022)

Quest Diagnostics Nichols Institute San Juan Capistrano
Classification: Likely benign. Last evaluated: 2025-01-03. Review status: criteria provided, single submitter. Criteria: Quest Diagnostics criteria. Collection method: clinical testing. Allele origin: unknown. Not counted in ClinVar's aggregate classification.

Labcorp Genetics (formerly Invitae), Labcorp
Classification: Likely benign for DICER1-related tumor predisposition. Last evaluated: 2024-04-22. Review status: criteria provided, single submitter. Criteria: Invitae Variant Classification Sherloc (09022015). Collection method: clinical testing. Allele origin: germline. Not counted in ClinVar's aggregate classification.

Ambry Genetics
Classification: Likely benign for Hereditary cancer-predisposing syndrome. Last evaluated: 2021-05-04. Review status: criteria provided, single submitter. Criteria: Ambry Variant Classification Scheme 2023. Collection method: clinical testing. Allele origin: germline. Not counted in ClinVar's aggregate classification.